The following is an entry in ClinVar:

NM_003060.4(SLC22A5):c.1547C>T (p.Pro516Leu)

Gene: SLC22A5 (solute carrier family 22 member 5; plus strand). Cytogenetic location: 5q31.1.
Variant type: single nucleotide variant.
Coding change: c.1547C>T on transcript NM_003060.4 (MANE Select); coding-DNA position 1547, C replaced by T.
Protein change: p.Pro516Leu; replaces proline 516 with leucine.
Molecular consequence: missense variant.
Genome position (GRCh38, 1-based): chr5:132,393,772, C>T. VCF-style: chr5-132393772-C-T. GRCh37 (hg19) VCF-style: chr5-131729464-C-T.
Other names: c.1619C>T, p.Pro540Leu (NM_001308122.2); short protein forms P516L, P540L.
Identifiers: ClinVar variation 963976 (VCV000963976.7), dbSNP rs563142575, ClinGen allele CA360809940.
Genomic context (GRCh38, chr5:132,393,772, plus strand): 5'-GAAGTCTGACCATCCTGACAGCCATCCTCACCTTGTTTCTCCCAGAGAGCTTCGGTACCC[C>T]ACTCCCAGACACCATTGACCAGATGCTAAGAGTCAAAGGGTAAGAAGACCTCCTCTGTCA-3'
Protein context (NP_003051.1, residues 506-526): TLFLPESFGT[Pro516Leu]LPDTIDQMLR

ClinVar aggregate classification (germline): Uncertain significance (1 of 4 stars; one submission).

Conditions:
Renal carnitine transport defect (CDSP). Also called: Systemic primary carnitine deficiency disease; Primary carnitine deficiency; Carnitine transporter deficiency; Carnitine Deficiency, Systemic; CARNITINE DEFICIENCY, SYSTEMIC, DUE TO DEFECT IN RENAL REABSORPTION OF CARNITINE; CARNITINE TRANSPORTER, PLASMA-MEMBRANE, DEFICIENCY OF. Identifiers: Orphanet 158, MedGen C0342788, MONDO:0008919, OMIM 212140.

Allele frequency attached by ClinVar (database versions not stated): TOPMed 0.00002.
gnomAD v4.1: 1 of 1,614,180 alleles (0.000062%); highest among the groups gnomAD compares: Non-Finnish European, 0.000085%; no homozygotes.

Submission:

Labcorp Genetics (formerly Invitae), Labcorp
Classification: Uncertain significance for Renal carnitine transport defect. Last evaluated: 2021-08-31. Review status: criteria provided, single submitter. Criteria: Invitae Variant Classification Sherloc (09022015). Collection method: clinical testing. Allele origin: germline.
Comment: This sequence change replaces proline with leucine at codon 516 of the SLC22A5 protein (p.Pro516Leu). The proline residue is moderately conserved and there is a moderate physicochemical difference between proline and leucine. This variant is not present in population databases (ExAC no frequency). This variant has not been reported in the literature in individuals affected with SLC22A5-related conditions. Algorithms developed to predict the effect of missense changes on protein structure and function (SIFT, PolyPhen-2, Align-GVGD) all suggest that this variant is likely to be tolerated. In summary, the available evidence is currently insufficient to determine the role of this variant in disease. Therefore, it has been classified as a Variant of Uncertain Significance.